The following is an entry in ClinVar:

ClinVar aggregate classification (germline): Benign. Review status: criteria provided, multiple submitters, no conflicts (2 of 4 stars). 3 submissions from 3 submitters: Benign (2). 1 of the submissions does not count toward it. Last evaluated 2026-01-25.

Conditions:
PLG-related disorder. Also called: PLG-related condition.

Allele frequency attached by ClinVar (database versions not stated): gnomAD exomes 0.00218 and 0.00505; ExAC 0.00616; gnomAD 0.01786 and 0.01884; ESP Exome Variant Server 0.01938; TOPMed 0.02078; 1000 Genomes Project 0.02216; 1000 Genomes Project 30x 0.02389.
gnomAD v4.1: 6,061 of 1,614,016 alleles (0.38%); highest among the groups gnomAD compares: African/African-American, 6.1%; 174 homozygotes.

Submissions (3):

Labcorp Genetics (formerly Invitae), Labcorp
Classification: Benign. Last evaluated: 2026-01-25. Review status: criteria provided, single submitter. Criteria: Invitae Variant Classification Sherloc (09022015). Collection method: clinical testing. Allele origin: germline.

GeneDx
Classification: Benign. Last evaluated: 2021-06-10. Review status: criteria provided, single submitter. Criteria: GeneDx Variant Classification Process June 2021. Collection method: clinical testing. Allele origin: germline. Affected: yes.

PreventionGenetics, part of Exact Sciences
Classification: Benign for PLG-related condition. Last evaluated: 2020-01-03. Review status: no assertion criteria provided. Collection method: clinical testing. Allele origin: germline. Not counted in ClinVar's aggregate classification.
Comment: This variant is classified as benign based on ACMG/AMP sequence variant interpretation guidelines (Richards et al. 2015 PMID: 25741868, with internal and published modifications).

NM_000301.5(PLG):c.2259T>C (p.Thr753=)

Gene: PLG (plasminogen; plus strand). Cytogenetic location: 6q26.
Variant type: single nucleotide variant.
Coding change: c.2259T>C on transcript NM_000301.5 (MANE Select); coding-DNA position 2259, T replaced by C.
Protein change: p.Thr753=; no amino-acid change (threonine 753 retained).
Molecular consequence: synonymous variant.
Genome position (GRCh38, 1-based): chr6:160,752,248, T>C. VCF-style: chr6-160752248-T-C. GRCh37 (hg19) VCF-style: chr6-161173280-T-C.
Identifiers: ClinVar variation 785201 (VCV000785201.13), dbSNP rs4252175, ClinGen allele CA4088032.